The following is an entry in ClinVar:

ClinVar aggregate classification (germline): Uncertain significance. Review status: criteria provided, multiple submitters, no conflicts (2 of 4 stars). 4 submissions from 4 submitters: Uncertain significance (4). Last evaluated 2025-06-15.

Allele frequency attached by ClinVar (database versions not stated): ExAC 0.00001; gnomAD exomes 0.00002; TOPMed 0.00002; gnomAD 0.00003 and 0.00004.
gnomAD v4.1: 20 of 1,614,118 alleles (0.0012%); highest among the groups gnomAD compares: Admixed American, 0.0017%; no homozygotes.

Submissions (4):

Labcorp Genetics (formerly Invitae), Labcorp
Classification: Uncertain significance. Last evaluated: 2025-06-15. Review status: criteria provided, single submitter. Criteria: Invitae Variant Classification Sherloc (09022015). Collection method: clinical testing. Allele origin: germline.
Comment: This sequence change replaces valine, which is neutral and non-polar, with alanine, which is neutral and non-polar, at codon 165 of the SRP72 protein (p.Val165Ala). This variant is present in population databases (rs200520143, gnomAD 0.006%). This variant has not been reported in the literature in individuals affected with SRP72-related conditions. ClinVar contains an entry for this variant (Variation ID: 1337219). Invitae Evidence Modeling of protein sequence and biophysical properties (such as structural, functional, and spatial information, amino acid conservation, physicochemical variation, residue mobility, and thermodynamic stability) indicates that this missense variant is not expected to disrupt SRP72 protein function with a negative predictive value of 80%. In summary, the available evidence is currently insufficient to determine the role of this variant in disease. Therefore, it has been classified as a Variant of Uncertain Significance.

GeneDx
Classification: Uncertain significance. Last evaluated: 2025-04-10. Review status: criteria provided, single submitter. Criteria: GeneDx Variant Classification Process June 2021. Collection method: clinical testing. Allele origin: germline. Affected: yes.
Comment: In silico analysis indicates that this missense variant does not alter protein structure/function; Has not been previously published as pathogenic or benign to our knowledge

Ambry Genetics
Classification: Uncertain significance. Last evaluated: 2024-10-15. Review status: criteria provided, single submitter. Criteria: Ambry Variant Classification Scheme 2023. Collection method: clinical testing. Allele origin: germline.
Comment: The p.V165A variant (also known as c.494T>C), located in coding exon 4 of the SRP72 gene, results from a T to C substitution at nucleotide position 494. The valine at codon 165 is replaced by alanine, an amino acid with similar properties. This amino acid position is conserved. In addition, this alteration is predicted to be tolerated by in silico analysis. Based on the available evidence, the clinical significance of this variant remains unclear.

Genetic Services Laboratory, University of Chicago
Classification: Uncertain significance. Last evaluated: 2019-06-19. Review status: criteria provided, single submitter. Criteria: ACMG Guidelines, 2015. Collection method: clinical testing. Allele origin: germline. Affected: no.

NM_006947.4(SRP72):c.494T>C (p.Val165Ala)

Gene: SRP72 (signal recognition particle 72; plus strand). Cytogenetic location: 4q12.
Variant type: single nucleotide variant.
Coding change: c.494T>C on transcript NM_006947.4 (MANE Select); coding-DNA position 494, T replaced by C.
Protein change: p.Val165Ala; replaces valine 165 with alanine.
Molecular consequence: missense variant. On other transcripts: non-coding transcript variant (1).
Genome position (GRCh38, 1-based): chr4:56,474,193, T>C. VCF-style: chr4-56474193-T-C. GRCh37 (hg19) VCF-style: chr4-57340359-T-C.
Other names: c.494T>C, p.Val165Ala (NM_001267722.2); short protein forms V165A.
Identifiers: ClinVar variation 1337219 (VCV001337219.15), dbSNP rs200520143, ClinGen allele CA2931067.